The following is an entry in ClinVar:

ClinVar aggregate classification (germline): Pathogenic (1 of 4 stars; one submission).

Conditions:
Curry-Hall syndrome (WAD). Also called: WEYERS ACRODENTAL DYSOSTOSIS. Identifiers: Orphanet 952, MedGen C0457013, MONDO:0008673, OMIM 193530.
Ellis-van Creveld syndrome (EVC). Also called: Chondroectodermal dysplasia; MESOECTODERMAL DYSPLASIA; EVC-Related Ellis-van Creveld Syndrome; EVC2-Related Ellis-van Creveld Syndrome. Identifiers: Orphanet 289, MedGen C0013903, MONDO:0009162, OMIM 225500.

Submission:

Labcorp Genetics (formerly Invitae), Labcorp
Classification: Pathogenic for Curry-Hall syndrome; Ellis-van Creveld syndrome. Last evaluated: 2022-04-01. Review status: criteria provided, single submitter. Criteria: Invitae Variant Classification Sherloc (09022015). Collection method: clinical testing. Allele origin: germline.
Comment: For these reasons, this variant has been classified as Pathogenic. Algorithms developed to predict the effect of sequence changes on RNA splicing suggest that this variant may disrupt the consensus splice site. This variant has not been reported in the literature in individuals affected with EVC-related conditions. This variant is not present in population databases (gnomAD no frequency). This sequence change creates a premature translational stop signal (p.Glu101Asnfs*15) in the EVC gene. It is expected to result in an absent or disrupted protein product. Loss-of-function variants in EVC are known to be pathogenic (PMID: 23220543).

Literature cited by the submitters: PubMed 23220543.

NC_000004.12:g.5729307del

Gene: EVC (EvC ciliary complex subunit 1; plus strand). Cytogenetic location: 4p16.2.
Variant type: Deletion.
Genome position: GRCh38 VCF-style: chr4-5729305-AG-A. GRCh37 (hg19) VCF-style: chr4-5731032-AG-A.
Identifiers: ClinVar variation 1990099 (VCV001990099.5), dbSNP rs2474608949, ClinGen allele CA2580070946.